The following is an entry in ClinVar:

ClinVar aggregate classification (germline): Uncertain significance. Review status: criteria provided, multiple submitters, no conflicts (2 of 4 stars). 4 submissions from 4 submitters: Uncertain significance (4). Last evaluated 2026-02-27.

Conditions:
TTN-related disorder. Also called: TTN-related disorders; TTN-related condition; TTN-related disease.
Dilated cardiomyopathy 1G (CMD1G). Identifiers: Orphanet 154, MedGen C1858763, MONDO:0011400, OMIM 604145.
Autosomal recessive limb-girdle muscular dystrophy type 2J (LGMDR10). Also called: Limb-girdle muscular dystrophy, type 2J; MUSCULAR DYSTROPHY, LIMB-GIRDLE, AUTOSOMAL RECESSIVE 10. Identifiers: Orphanet 140922, MedGen C1837342, MONDO:0012127, OMIM 608807.

Allele frequency attached by ClinVar (database versions not stated): ExAC 0.00002; gnomAD 0.00005; gnomAD exomes 0.00001; TOPMed 0.00013; 1000 Genomes Project 0.00020; 1000 Genomes Project 30x 0.00031.
gnomAD v4.1: 37 of 1,581,524 alleles (0.0023%); highest among the groups gnomAD compares: Admixed American, 0.02%; no homozygotes.

Submissions (4):

PreventionGenetics, part of Exact Sciences
Classification: Uncertain significance for TTN-related condition. Last evaluated: 2026-02-27. Review status: criteria provided, single submitter. Criteria: ACMG Guidelines, 2015. Collection method: clinical testing. Allele origin: germline.
Comment: The TTN c.11362G>A variant is predicted to result in the amino acid substitution p.Glu3788Lys. This variant has been reported along with a second TTN variant in an individual from a neuromuscular disease cohort (Supplementary data in Gonzalez-Quereda et al. 2020. PubMed ID: 32403337). This variant is reported in 0.0073% of alleles in individuals of East Asian descent in gnomAD. At this time, the clinical significance of this variant is uncertain due to the absence of conclusive functional and genetic evidence.

CeGaT Center for Human Genetics Tuebingen
Classification: Uncertain significance. Last evaluated: 2025-08-01. Review status: criteria provided, single submitter. Criteria: CeGaT Center For Human Genetics Tuebingen Variant Classification Criteria Version 2. Collection method: clinical testing. Allele origin: germline. Affected: yes. Observed: 2 variant alleles.
Comment: TTN: PM2, BP4

GeneDx
Classification: Uncertain significance. Last evaluated: 2025-03-26. Review status: criteria provided, single submitter. Criteria: GeneDx Variant Classification Process June 2021. Collection method: clinical testing. Allele origin: germline. Affected: yes.
Comment: Reported previously in a patient with a dystrophic pattern on muscle biopsy and proximal muscle weakness in upper and lower limbs, who also harbored a second variant (phase unknown) (PMID: 32403337); Not observed at significant frequency in large population cohorts (gnomAD); Missense variant in a gene in which most reported pathogenic variants are truncating/loss of function; This variant is associated with the following publications: (PMID: 32403337)

Labcorp Genetics (formerly Invitae), Labcorp
Classification: Uncertain significance for Dilated cardiomyopathy 1G; Autosomal recessive limb-girdle muscular dystrophy type 2J. Last evaluated: 2016-03-04. Review status: criteria provided, single submitter. Criteria: Invitae Variant Classification Sherloc (09022015). Collection method: clinical testing. Allele origin: germline.

NM_001267550.2(TTN):c.11362G>A (p.Glu3788Lys)

Gene: TTN (titin; minus strand). Cytogenetic location: 2q31.2.
Variant type: single nucleotide variant.
Coding change: c.11362G>A on transcript NM_001267550.2 (MANE Select); coding-DNA position 11362, G replaced by A.
Protein change: p.Glu3788Lys; replaces glutamic acid 3788 with lysine.
Molecular consequence: missense variant. On other transcripts: intron variant (1).
Genome position (GRCh38, 1-based): chr2:178,741,871, C>T on the plus strand (G>A on the coding strand, the complement: TTN is on the minus strand). VCF-style: chr2-178741871-C-T. GRCh37 (hg19) VCF-style: chr2-179606598-C-T.
Other names: c.10411G>A, p.Glu3471Lys (NM_001256850.1); c.10273G>A, p.Glu3425Lys (NM_003319.4); c.10648G>A, p.Glu3550Lys (NM_133432.3); c.10849G>A, p.Glu3617Lys (NM_133437.4); c.10361-3511G>A (NM_133378.4); c.11362G>A (NM_001267550.1); short protein forms E3788K, E3425K, E3550K, E3617K, E3471K.
Identifiers: ClinVar variation 238703 (VCV000238703.28), dbSNP rs540469851, ClinGen allele CA2002862.